The following is an entry in ClinVar:

ClinVar aggregate classification (germline): Uncertain significance. Review status: criteria provided, multiple submitters, no conflicts (2 of 4 stars). 2 submissions from 2 submitters: Uncertain significance (2). Last evaluated 2026-01-16.

Conditions:
Hereditary pancreatitis (PCTT). Also called: PRSS1-Related Hereditary Pancreatitis; Hereditary chronic pancreatitis. Identifiers: Orphanet 676, MedGen C0238339, MONDO:0008185, OMIM 167800.

Submissions (2):

Labcorp Genetics (formerly Invitae), Labcorp
Classification: Uncertain significance for Hereditary pancreatitis. Last evaluated: 2026-01-16. Review status: criteria provided, single submitter. Criteria: Invitae Variant Classification Sherloc (09022015). Collection method: clinical testing. Allele origin: germline.
Comment: This sequence change replaces valine, which is neutral and non-polar, with isoleucine, which is neutral and non-polar, at codon 80 of the PRSS1 protein (p.Val80Ile). This variant is not present in population databases (gnomAD no frequency). This variant has not been reported in the literature in individuals affected with PRSS1-related conditions. ClinVar contains an entry for this variant (Variation ID: 1790546). Invitae Evidence Modeling of protein sequence and biophysical properties (such as structural, functional, and spatial information, amino acid conservation, physicochemical variation, residue mobility, and thermodynamic stability) indicates that this missense variant is not expected to disrupt PRSS1 protein function with a negative predictive value of 80%. In summary, the available evidence is currently insufficient to determine the role of this variant in disease. Therefore, it has been classified as a Variant of Uncertain Significance.

Ambry Genetics
Classification: Uncertain significance for Hereditary pancreatitis. Last evaluated: 2024-10-14. Review status: criteria provided, single submitter. Criteria: Ambry Variant Classification Scheme 2023. Collection method: clinical testing. Allele origin: germline.
Comment: The p.V80I variant (also known as c.238G>A), located in coding exon 3 of the PRSS1 gene, results from a G to A substitution at nucleotide position 238. The valine at codon 80 is replaced by isoleucine, an amino acid with highly similar properties. This amino acid position is conserved. In addition, the in silico prediction for this alteration is inconclusive. Since supporting evidence is limited at this time, the clinical significance of this alteration remains unclear.

NM_002769.5(PRSS1):c.238G>A (p.Val80Ile)

Genes: TRB (T cell receptor beta locus; plus strand), PRSS1 (serine protease 1; plus strand). Cytogenetic location: 7q34.
Variant type: single nucleotide variant.
Coding change: c.238G>A on transcript NM_002769.5 (MANE Select); coding-DNA position 238, G replaced by A.
Protein change: p.Val80Ile; replaces valine 80 with isoleucine.
Molecular consequence: missense variant. On other transcripts: non-coding transcript variant (2).
Genome position (GRCh38, 1-based): chr7:142,751,811, G>A. VCF-style: chr7-142751811-G-A. GRCh37 (hg19) VCF-style: chr7-142459662-G-A.
Other names: short protein forms V80I.
Identifiers: ClinVar variation 1790546 (VCV001790546.6), dbSNP rs2485752614, ClinGen allele CA369608469.